The following is an entry in ClinVar:

NM_002439.5(MSH3):c.1871G>T (p.Gly624Val)

Gene: MSH3 (mutS homolog 3; plus strand). Cytogenetic location: 5q14.1.
Variant type: single nucleotide variant.
Coding change: c.1871G>T on transcript NM_002439.5 (MANE Select); coding-DNA position 1871, G replaced by T.
Protein change: p.Gly624Val; replaces glycine 624 with valine.
Molecular consequence: missense variant.
Genome position (GRCh38, 1-based): chr5:80,761,653, G>T. VCF-style: chr5-80761653-G-T. GRCh37 (hg19) VCF-style: chr5-80057472-G-T.
Other names: c.1871G>T (NM_002439.3); short protein forms G624V.
Identifiers: ClinVar variation 3722834 (VCV003722834.3).

ClinVar aggregate classification (germline): Uncertain significance. Review status: criteria provided, multiple submitters, no conflicts (2 of 4 stars). 2 submissions from 2 submitters: Uncertain significance (2). Last evaluated 2025-04-03.

Conditions:
Hereditary cancer-predisposing syndrome. Also called: Hereditary Cancer Syndrome; Hereditary neoplastic syndrome; Neoplastic Syndromes, Hereditary; Tumor predisposition. Identifiers: Orphanet 140162, MedGen C0027672, MeSH D009386, MONDO:0015356.

Submissions (2):

Ambry Genetics
Classification: Uncertain significance for Hereditary cancer-predisposing syndrome. Last evaluated: 2025-04-03. Review status: criteria provided, single submitter. Criteria: Ambry Variant Classification Scheme 2023. Collection method: clinical testing. Allele origin: germline.
Comment: The p.G624V variant (also known as c.1871G>T), located in coding exon 13 of the MSH3 gene, results from a G to T substitution at nucleotide position 1871. The glycine at codon 624 is replaced by valine, an amino acid with dissimilar properties. This amino acid position is conserved. In addition, this alteration is predicted to be deleterious by in silico analysis. Based on the available evidence, the clinical significance of this variant remains unclear.

Labcorp Genetics (formerly Invitae), Labcorp
Classification: Uncertain significance. Last evaluated: 2024-10-13. Review status: criteria provided, single submitter. Criteria: Invitae Variant Classification Sherloc (09022015). Collection method: clinical testing. Allele origin: germline.
Comment: This sequence change replaces glycine, which is neutral and non-polar, with valine, which is neutral and non-polar, at codon 624 of the MSH3 protein (p.Gly624Val). This variant is not present in population databases (gnomAD no frequency). This variant has not been reported in the literature in individuals affected with MSH3-related conditions. An algorithm developed to predict the effect of missense changes on protein structure and function (PolyPhen-2) suggests that this variant is likely to be disruptive. In summary, the available evidence is currently insufficient to determine the role of this variant in disease. Therefore, it has been classified as a Variant of Uncertain Significance.